The following is an entry in ClinVar:

ClinVar aggregate classification (germline): Pathogenic (1 of 4 stars; one submission).

Conditions:
Phelan-McDermid syndrome. Also called: TELOMERIC 22q13 MONOSOMY SYNDROME; 22q13.3 deletion syndrome; Phelan-McDermid Syndrome-SHANK3 Related. Identifiers: Orphanet 48652, MedGen C1853490, MONDO:0011652, OMIM 606232.

Submission:

Variantyx, Inc.
Classification: Pathogenic for Phelan-McDermid syndrome. Last evaluated: 2026-01-09. Review status: criteria provided, single submitter. Criteria: Variantyx Assertion Criteria 2022. Collection method: clinical testing. Allele origin: de novo. Inheritance: Autosomal dominant inheritance. Affected: yes.
Comment: This is a frameshift variant in the SHANK3 gene (OMIM: 606230). Pathogenic variants in this gene have been associated with autosomal dominant Phelan-McDermid syndrome. The alteration introduces a premature termination codon in exon 22 out of 23 and is expected to result in loss of function, which is a known disease mechanism for SHANK3 in this disorder (PMID:23758760) (PVS1). This variant is absent from control populations (PM2), and it has not been previously reported in individuals with SHANK3-related disorders in the databases available for review. Based on the current evidence, this variant is classified as pathogenic for autosomal dominant Phelan-McDermid syndrome.

Literature cited by the submitters: PubMed 23758760.

NM_001372044.2(SHANK3):c.3962del (p.Ala1321fs)

Gene: SHANK3 (SH3 and multiple ankyrin repeat domains 3; plus strand). Cytogenetic location: 22q13.33.
Variant type: Deletion.
Coding change: c.3962del on transcript NM_001372044.2 (MANE Select); coding-DNA position 3962, one base deleted (C; older notation c.3962delC).
Protein change: p.Ala1321fs; shifts the reading frame from alanine 1321.
Molecular consequence: frameshift variant.
Genome position (GRCh38, 1-based): chr22:50,721,570, C deleted. VCF-style (leftmost placement, unchanged base first): chr22-50721569-GC-G. GRCh37 (hg19) VCF-style: chr22-51159997-GC-G.
Other names: c.3962delC (NM_001372044.2); short protein forms A1321fs.
Identifiers: ClinVar variation 4852237 (VCV004852237.1).
Genomic context (GRCh38, chr22:50,721,569, plus strand): 5'-GGGGCCGAAGAGGAGCGCCCGGGCACCCCGGAGTTGGCCCCGGCCCCCATGCAGTCAGCG[GC>G]TGTGGCAGAGCCCCTGCCCAGCCCCCGGGCCCAGCCCCCTGGTGGCACCCCGGCAGACGC-3'